The following is an entry in ClinVar:

NM_000059.4(BRCA2):c.794-2A>G

Gene: BRCA2 (BRCA2 DNA repair associated; plus strand). Cytogenetic location: 13q13.1.
Variant type: single nucleotide variant.
Coding change: c.794-2A>G on transcript NM_000059.4 (MANE Select); the canonical splice acceptor site of the intron before coding-DNA position 794, A replaced by G.
Molecular consequence: splice acceptor variant. On other transcripts: intron variant (1).
Genome position (GRCh38, 1-based): chr13:32,332,270, A>G. VCF-style: chr13-32332270-A-G. GRCh37 (hg19) VCF-style: chr13-32906407-A-G.
Other names: c.794-2A>G (NM_001406720.1, NM_001406719.1, NM_001406721.1); c.424+1240A>G (NM_001406722.1).
Identifiers: ClinVar variation 568479 (VCV000568479.26), dbSNP rs1566222053, ClinGen allele CA387760324.

ClinVar aggregate classification (germline): Uncertain significance. Review status: reviewed by expert panel (3 of 4 stars). 9 submissions from 9 submitters: Uncertain significance (1). 8 of the submissions do not count toward it. Last evaluated 2025-05-23.

Conditions:
BRCA2-related cancer predisposition. Identifiers: MedGen CN377758, MONDO:0700269.
Hereditary cancer-predisposing syndrome. Also called: Neoplastic Syndromes, Hereditary; Tumor predisposition; Hereditary neoplastic syndrome; Hereditary Cancer Syndrome. Identifiers: Orphanet 140162, MedGen C0027672, MeSH D009386, MONDO:0015356.
Hereditary breast ovarian cancer syndrome. Also called: Hereditary breast and ovarian cancer syndrome (HBOC); Hereditary breast and ovarian cancer; Hereditary breast and/or ovarian cancer syndrome; Hereditary breast and ovarian cancer syndrome; Breast and ovarian cancer; BRCA1- and BRCA2-Associated Hereditary Breast and Ovarian Cancer. Identifiers: Orphanet 145, MedGen C0677776, MeSH D061325, MONDO:0003582. Disease mechanism: loss of function.
Familial cancer of breast. Also called: BREAST CANCER, FAMILIAL; Hereditary breast cancer; hereditary breast carcinoma. Identifiers: Orphanet 227535, MedGen C0346153, MONDO:0016419, OMIM 114480. Disease mechanism: loss of function.

Allele frequency attached by ClinVar (database versions not stated): gnomAD exomes below 0.00001.
gnomAD v4.1: 1 of 1,597,278 alleles (0.000063%); highest among the groups gnomAD compares: Non-Finnish European, 0.000086%; no homozygotes.

Submissions (9):

ClinGen ENIGMA BRCA1 and BRCA2 Variant Curation Expert Panel, ClinGen
Classification: Uncertain significance for BRCA2-related cancer predisposition. Last evaluated: 2025-05-23. Review status: reviewed by expert panel. Criteria: CSpec BRCA1/2ACMG Rules Specifications V1.2. Collection method: curation. Allele origin: germline. Inheritance: Autosomal dominant inheritance.
Comment: The c.794-2A>G variant is an intronic variant within the native acceptor 1,2 splice site occurring in intron 9 of the BRCA2 gene. It is predicted to cause either the in-frame skipping of exon 10 or utilize a cryptic acceptor site 18 bp downstream in exon 10 resulting in an in-frame deletion of 6 amino acids. Neither outcome impacts a region with known protein function and neither is expected to result in nonsense mediated decay. Functional data indicates that a deletion of exon 10 results in a mostly functional protein (>80% activity in an homology directed repair assay and full complementation in a cell viability assay; PMID: 32398771). Based on this, no pathogenic evidence at any strength has been assigned to intron 9 acceptor site variants at the -2 position (PVS1_N/A). This variant is absent from gnomAD v2.1 (exomes only, non-cancer subset, read depth ≥25) and gnomAD v3.1 (non-cancer subset, read depth ≥25). In summary, this variant meets the criteria to be classified as a Variant of Uncertain Significance for BRCA2-related cancer predisposition based on the ACMG/AMP criteria applied as specified by the ENIGMA BRCA1/2 VCEP (PM2_Supporting).

Labcorp Genetics (formerly Invitae), Labcorp
Classification: Likely pathogenic for Hereditary breast ovarian cancer syndrome. Last evaluated: 2025-11-05. Review status: criteria provided, single submitter. Criteria: Invitae Variant Classification Sherloc (09022015). Collection method: clinical testing. Allele origin: germline. Not counted in ClinVar's aggregate classification.
Comment: This sequence change affects an acceptor splice site in intron 9 of the BRCA2 gene. It is expected to disrupt RNA splicing. Variants that disrupt the donor or acceptor splice site typically lead to a loss of protein function (PMID: 16199547), and loss-of-function variants in BRCA2 are known to be pathogenic (PMID: 20104584). This variant is not present in population databases (gnomAD no frequency). This variant has not been reported in the literature in individuals affected with BRCA2-related conditions. ClinVar contains an entry for this variant (Variation ID: 568479). Algorithms developed to predict the effect of sequence changes on RNA splicing suggest that this variant may disrupt the consensus splice site. In summary, the currently available evidence indicates that the variant is pathogenic, but additional data are needed to prove that conclusively. Therefore, this variant has been classified as Likely Pathogenic.

Women's Health and Genetics/Laboratory Corporation of America, LabCorp
Classification: Likely pathogenic for Hereditary breast ovarian cancer syndrome. Last evaluated: 2025-08-04. Review status: criteria provided, single submitter. Criteria: LabCorp Variant Classification Summary - May 2015. Collection method: clinical testing. Allele origin: germline. Not counted in ClinVar's aggregate classification.
Comment: Variant summary: BRCA2 c.794-2A>G is located in a canonical splice-site and is predicted to affect mRNA splicing resulting in a significantly altered protein due to either exon skipping, shortening, or inclusion of intronic material. Variants that disrupt the consensus splice site are a relatively common cause of aberrant splicing and loss of BRCA2 function. Several computational tools predict a significant impact on normal splicing: Four predict the variant abolishes a 3' acceptor site. However, these predictions have yet to be confirmed by functional studies. The variant was absent in 243360 control chromosomes. To our knowledge, no occurrence of c.794-2A>G in individuals affected with Hereditary Breast And Ovarian Cancer Syndrome and no experimental evidence demonstrating its impact on protein function have been reported. ClinVar contains an entry for this variant (Variation ID: 568479). Based on the evidence outlined above, the variant was classified as likely pathogenic.

GeneDx
Classification: Likely pathogenic. Last evaluated: 2025-03-05. Review status: criteria provided, single submitter. Criteria: GeneDx Variant Classification Process June 2021. Collection method: clinical testing. Allele origin: germline. Affected: yes. Not counted in ClinVar's aggregate classification.
Comment: Identified in a patient with breast cancer in published literature (PMID: 33471991); Not observed at significant frequency in large population cohorts (gnomAD); Canonical splice site variant predicted to result in an in-frame loss of the adjacent exon in a gene for which loss of function is a known mechanism of disease; Also known as 1022-2A>G; This variant is associated with the following publications: (PMID: 33087929, 33471991)

Ambry Genetics
Classification: Uncertain significance for Hereditary cancer-predisposing syndrome. Last evaluated: 2024-09-30. Review status: criteria provided, single submitter. Criteria: Ambry Variant Classification Scheme 2023. Collection method: clinical testing. Allele origin: germline. Not counted in ClinVar's aggregate classification.
Comment: The c.794-2A>G intronic variant results from an A to G substitution two nucleotides upstream from coding exon 9 in the BRCA2 gene. In one study, this variant was reported in 1/60,466 breast cancer cases and in 0/53,461 controls (Dorling et al. N Engl J Med. 2021 02;384:428-439). Alterations that disrupt the canonical splice site are expected to result in aberrant splicing. In silico splice site analysis predicts that this alteration will weaken the native splice acceptor site and may result in the creation or strengthening of a novel splice acceptor site. The resulting transcript is predicted to be in-frame and is not expected to trigger nonsense-mediated mRNAdecay. RNA studies have demonstrated that this alteration results in a transcript predicted to lead to a protein with an in-frame deletion of 372 amino acids; however, the exact functional impact of the deleted amino acids is unknown at this time (Ambry internal data). This nucleotide position is highly conserved in available vertebrate species. Based on the available evidence, the clinical significance of this variant remains unclear.

Baylor Genetics
Classification: Uncertain significance for Familial cancer of breast. Last evaluated: 2023-04-14. Review status: criteria provided, single submitter. Criteria: ACMG Guidelines, 2015. Collection method: clinical testing. Allele origin: unknown. Not counted in ClinVar's aggregate classification.

Quest Diagnostics Nichols Institute San Juan Capistrano
Classification: Likely pathogenic. Last evaluated: 2020-08-14. Review status: criteria provided, single submitter. Criteria: Quest Diagnostics criteria. Collection method: clinical testing. Allele origin: unknown. Not counted in ClinVar's aggregate classification.
Comment: The variant disrupts a canonical splice site, and is therefore predicted to result in the loss of a functional protein. Not found in the total gnomAD dataset.

Laboratory for Molecular Medicine, Mass General Brigham Personalized Medicine
Classification: Likely pathogenic for Hereditary breast ovarian cancer syndrome. Last evaluated: 2019-10-14. Review status: criteria provided, single submitter. Criteria: ACMG Guidelines, 2015. Collection method: clinical testing. Allele origin: germline. Not counted in ClinVar's aggregate classification.
Comment: The c.794-2A>G variant in BRCA2 has not been previously reported in individuals with hereditary breast and/or ovarian cancer (HBOC) and was absent from large population studies, but has been reported in ClinVar (Variation ID: 568479). This variant occurs within the canonical splice site (+/- 1,2) and is predicted to cause altered splicing leading to an abnormal or absent protein. Loss of function of the BRCA2 gene is an established disease mechanism in autosomal dominant HBOC. In summary, although additional studies are required to fully establish its clinical significance, this variant meets criteria to be classified as likely pathogenic for autosomal dominant HBOC. ACMG/AMP Criteria applied: PVS1, PM2.

Revvity Omics, Revvity
Classification: Pathogenic. Last evaluated: 2019-05-07. Review status: criteria provided, single submitter. Criteria: ACMG Guidelines, 2015. Collection method: clinical testing. Allele origin: germline. Not counted in ClinVar's aggregate classification.

Literature cited by the submitters: PubMed 16199547 (cited by Labcorp Genetics (formerly Invitae), Labcorp); PubMed 20104584 (cited by Labcorp Genetics (formerly Invitae), Labcorp); PubMed 33471991 (cited by Ambry Genetics).